The following is an entry in ClinVar:

NM_006086.4(TUBB3):c.1168C>T (p.Arg390Trp)

Gene: TUBB3 (tubulin beta 3 class III; plus strand). Cytogenetic location: 16q24.3.
Variant type: single nucleotide variant.
Coding change: c.1168C>T on transcript NM_006086.4 (MANE Select); coding-DNA position 1168, C replaced by T.
Protein change: p.Arg390Trp; replaces arginine 390 with tryptophan.
Molecular consequence: missense variant.
Genome position (GRCh38, 1-based): chr16:89,935,619, C>T. VCF-style: chr16-89935619-C-T. GRCh37 (hg19) VCF-style: chr16-90002027-C-T.
Other names: c.952C>T, p.Arg318Trp (NM_001197181.2); short protein forms R318W, R390W.
Identifiers: ClinVar variation 3345195 (VCV003345195.1).
Genomic context (GRCh38, chr16:89,935,619, plus strand): 5'-AACAGCACGGCCATCCAGGAGCTGTTCAAGCGCATCTCCGAGCAGTTCACGGCCATGTTC[C>T]GGCGCAAGGCCTTCCTGCACTGGTACACGGGCGAGGGCATGGACGAGATGGAGTTCACCG-3'
Protein context (NP_006077.2, residues 380-400): RISEQFTAMF[Arg390Trp]RKAFLHWYTG

ClinVar aggregate classification (germline): Uncertain significance (0 of 4 stars; one submission).

Conditions:
TUBB3-related disorder. Also called: TUBB3-related condition; TUBB3-related disorders.

Submission:

PreventionGenetics, part of Exact Sciences
Classification: Uncertain significance for TUBB3-related condition. Last evaluated: 2024-09-07. Review status: no assertion criteria provided. Collection method: clinical testing. Allele origin: germline.
Comment: The TUBB3 c.1168C>T variant is predicted to result in the amino acid substitution p.Arg390Trp. To our knowledge, this variant has not been reported in the literature or in a large population database, indicating this variant is rare. At this time, the clinical significance of this variant is uncertain due to the absence of conclusive functional and genetic evidence.